The following is an entry in ClinVar:

NM_014339.7(IL17RA):c.1403G>A (p.Arg468His)

Gene: IL17RA (interleukin 17 receptor A; plus strand). Cytogenetic location: 22q11.1.
Variant type: single nucleotide variant.
Coding change: c.1403G>A on transcript NM_014339.7 (MANE Select); coding-DNA position 1403, G replaced by A.
Protein change: p.Arg468His; replaces arginine 468 with histidine.
Molecular consequence: missense variant.
Genome position (GRCh38, 1-based): chr22:17,108,622, G>A. VCF-style: chr22-17108622-G-A. GRCh37 (hg19) VCF-style: chr22-17589512-G-A.
Other names: c.1301G>A, p.Arg434His (NM_001289905.2); short protein forms R468H, R434H.
Identifiers: ClinVar variation 3716297 (VCV003716297.2).

ClinVar aggregate classification (germline): Uncertain significance (1 of 4 stars; one submission).

Conditions:
Immunodeficiency 51 (IMD51). Also called: CANDIDIASIS, FAMILIAL, 5. Identifiers: Orphanet 1334, MedGen C4310803, MONDO:0013500, OMIM 613953.

gnomAD v4.1: 4 of 1,604,586 alleles (0.00025%); highest among the groups gnomAD compares: East Asian, 0.0045%; no homozygotes.

Submission:

Labcorp Genetics (formerly Invitae), Labcorp
Classification: Uncertain significance for Immunodeficiency 51. Last evaluated: 2024-02-28. Review status: criteria provided, single submitter. Criteria: Invitae Variant Classification Sherloc (09022015). Collection method: clinical testing. Allele origin: germline.
Comment: This sequence change replaces arginine, which is basic and polar, with histidine, which is basic and polar, at codon 468 of the IL17RA protein (p.Arg468His). This variant is present in population databases (rs768702255, gnomAD 0.02%). This variant has not been reported in the literature in individuals affected with IL17RA-related conditions. Advanced modeling of protein sequence and biophysical properties (such as structural, functional, and spatial information, amino acid conservation, physicochemical variation, residue mobility, and thermodynamic stability) performed at Invitae indicates that this missense variant is expected to disrupt IL17RA protein function with a positive predictive value of 80%. In summary, the available evidence is currently insufficient to determine the role of this variant in disease. Therefore, it has been classified as a Variant of Uncertain Significance.